The following is an entry in ClinVar:

NM_000274.4(OAT):c.901G>A (p.Val301Met)

Gene: OAT (ornithine aminotransferase; minus strand). Cytogenetic location: 10q26.13.
Variant type: single nucleotide variant.
Coding change: c.901G>A on transcript NM_000274.4 (MANE Select); coding-DNA position 901, G replaced by A.
Protein change: p.Val301Met; replaces valine 301 with methionine.
Molecular consequence: missense variant.
Genome position (GRCh38, 1-based): chr10:124,401,839, C>T on the plus strand (G>A on the coding strand, the complement: OAT is on the minus strand). VCF-style: chr10-124401839-C-T. GRCh37 (hg19) VCF-style: chr10-126090408-C-T.
Other names: c.580G>A, p.Val194Met (NM_001322971.2); c.301G>A, p.Val101Met (NM_001322974.2); c.487G>A, p.Val163Met (NM_001171814.2); c.901G>A, p.Val301Met (NM_001322965.2, NM_001322966.2, NM_001322967.2 and 3 more transcripts); short protein forms V163M, V194M, V101M, V301M.
Identifiers: ClinVar variation 3718603 (VCV003718603.2).

ClinVar aggregate classification (germline): Uncertain significance (1 of 4 stars; one submission).

Conditions:
Ornithine aminotransferase deficiency (GACR). Also called: Ornithine ketoacid aminotransferase deficiency; Gyrate atrophy; Gyrate atrophy of choroid and retina; Girate atrophy of the retina; HYPERORNITHINEMIA WITH GYRATE ATROPHY OF CHOROID AND RETINA; OAT DEFICIENCY. Identifiers: Orphanet 414, MedGen C0018425, MONDO:0009796, OMIM 258870.

Submission:

Labcorp Genetics (formerly Invitae), Labcorp
Classification: Uncertain significance for Ornithine aminotransferase deficiency. Last evaluated: 2025-09-05. Review status: criteria provided, single submitter. Criteria: Invitae Variant Classification Sherloc (09022015). Collection method: clinical testing. Allele origin: germline.
Comment: This sequence change replaces valine, which is neutral and non-polar, with methionine, which is neutral and non-polar, at codon 301 of the OAT protein (p.Val301Met). This variant is not present in population databases (gnomAD no frequency). This variant has not been reported in the literature in individuals affected with OAT-related conditions. ClinVar contains an entry for this variant (Variation ID: 3718603). An algorithm developed to predict the effect of missense changes on protein structure and function (PolyPhen-2) suggests that this variant is likely to be disruptive. In summary, the available evidence is currently insufficient to determine the role of this variant in disease. Therefore, it has been classified as a Variant of Uncertain Significance.